The following is an entry in ClinVar:

ClinVar aggregate classification (germline): Likely benign. Review status: criteria provided, multiple submitters, no conflicts (2 of 4 stars). 3 submissions from 3 submitters: Likely benign (3). Last evaluated 2025-11-19.

Conditions:
Hereditary cancer-predisposing syndrome. Also called: Neoplastic Syndromes, Hereditary; Hereditary Cancer Syndrome; Tumor predisposition; Hereditary neoplastic syndrome. Identifiers: Orphanet 140162, MedGen C0027672, MeSH D009386, MONDO:0015356.
Ataxia-telangiectasia syndrome (AT). Also called: LOUIS-BAR SYNDROME; Cerebello-oculocutaneous telangiectasia; Immunodeficiency with ataxia telangiectasia; Ataxia-telangiectasia, complementation group D; AT, COMPLEMENTATION GROUP C; Ataxia-telangiectasia, complementation group E. Identifiers: Orphanet 100, MedGen C0004135, MONDO:0008840, OMIM 208900.

Submissions (3):

Labcorp Genetics (formerly Invitae), Labcorp
Classification: Likely benign for Ataxia-telangiectasia syndrome. Last evaluated: 2025-11-19. Review status: criteria provided, single submitter. Criteria: Invitae Variant Classification Sherloc (09022015). Collection method: clinical testing. Allele origin: germline.

Color Diagnostics, LLC DBA Color Health
Classification: Likely benign for Hereditary cancer-predisposing syndrome. Last evaluated: 2025-02-25. Review status: criteria provided, single submitter. Criteria: ACMG Guidelines, 2015. Collection method: clinical testing. Allele origin: germline.

GeneDx
Classification: Likely benign. Last evaluated: 2016-03-28. Review status: criteria provided, single submitter. Criteria: GeneDx Variant Classification (06012015). Collection method: clinical testing. Allele origin: germline. Affected: yes.
Comment: This variant is considered likely benign or benign based on one or more of the following criteria: it is a conservative change, it occurs at a poorly conserved position in the protein, it is predicted to be benign by multiple in silico algorithms, and/or has population frequency not consistent with disease.

NM_000051.4(ATM):c.5763-14_5763-13del

Genes: C11orf65 (chromosome 11 open reading frame 65; minus strand), ATM (ATM serine/threonine kinase; plus strand). Cytogenetic location: 11q22.3.
Variant type: Microsatellite.
Coding change: c.5763-14_5763-13del on transcript NM_000051.4 (MANE Select); 14 bases into the intron before coding-DNA position 5763 through 13 bases into the intron before coding-DNA position 5763, 2 bases deleted (TC; older notation c.5763-14_5763-13delTC).
Molecular consequence: intron variant.
Genome position (GRCh38, 1-based): chr11:108,310,146-108,310,147, TC deleted; deleting any 2 consecutive bases within chr11:108,310,144-108,310,147 gives the same sequence; the c. name uses the placement nearest the transcript's 3' end. VCF-style (leftmost placement, unchanged base first): chr11-108310143-ATC-A. GRCh37 (hg19) VCF-style: chr11-108180870-ATC-A.
Other names: c.5763-14_5763-13delTC (NM_000051.3); c.5763-14_5763-13del (NM_001351834.2); c.641-1074_641-1073del (NM_001330368.2); c.*39-1074_*39-1073del (NM_001351110.2).
Identifiers: ClinVar variation 420797 (VCV000420797.10), dbSNP rs1064794707, ClinGen allele CA16619203.
Genomic context (GRCh38, chr11:108,310,143, plus strand): 5'-TATTCTATATCAACATGCTTTTATTTTGATATTGAAGTTTAAAAAAGTGAATGACATTAT[ATC>A]TCATTTTTCTTTAGACCTTCTTCAGGAACAATTTTTAATGATGCTTTCTGGCTGGATTTA-3'